The following is an entry in ClinVar:

ClinVar aggregate classification (germline): Pathogenic/Likely pathogenic. Review status: criteria provided, multiple submitters, no conflicts (2 of 4 stars). 4 submissions from 4 submitters: Pathogenic (2); Likely pathogenic (1). 1 of the submissions does not count toward it. Last evaluated 2026-05-08.

Conditions:
Familial hyperparathyroidism or Hypocalciuric hypercalcaemia.
Hereditary cancer-predisposing syndrome. Also called: Tumor predisposition; Hereditary neoplastic syndrome; Hereditary Cancer Syndrome; Neoplastic Syndromes, Hereditary. Identifiers: Orphanet 140162, MedGen C0027672, MeSH D009386, MONDO:0015356.
Multiple endocrine neoplasia, type 1 (MEN1). Also called: MEN I; WERMER SYNDROME; Endocrine adenomatosis multiple; MEN 1; MEA I. Identifiers: Orphanet 652, MedGen C0025267, MeSH D018761, MONDO:0007540, OMIM 131100.

Submissions (4):

Ambry Genetics
Classification: Pathogenic for Hereditary cancer-predisposing syndrome. Last evaluated: 2026-05-08. Review status: criteria provided, single submitter. Criteria: Ambry Variant Classification Scheme 2023. Collection method: clinical testing. Allele origin: germline.
Comment: The p.C241Y pathogenic mutation (also known as c.722G>A), located in coding exon 3 of the MEN1 gene, results from a G to A substitution at nucleotide position 722. The cysteine at codon 241 is replaced by tyrosine, an amino acid with highly dissimilar properties. This variant was reported in individual(s) with features consistent with multiple endocrine neoplasia type 1 (MEN1) (Hai N et al. Eur. J. Endocrinol. 1999 Nov;141:475-80; Ambry internal data; external communication). In addition, two other variants at the same codon, p.C241R and p.C241F, have been reported in individuals with features consistent with MEN1 (Mutch MG et al. Hum. Mutat. 1999;13:175-85; Cr&eacute;pin M et al. Electrophoresis. 2003 Jan;24:26-33). This amino acid position is highly conserved in available vertebrate species. In addition, this alteration is predicted to be deleterious by in silico analysis. This variant was not reported in population-based cohorts in the Genome Aggregation Database (gnomAD). Based on the supporting evidence, this variant is interpreted as a disease-causing mutation.

Labcorp Genetics (formerly Invitae), Labcorp
Classification: Pathogenic for Multiple endocrine neoplasia, type 1. Last evaluated: 2025-04-14. Review status: criteria provided, single submitter. Criteria: Invitae Variant Classification Sherloc (09022015). Collection method: clinical testing. Allele origin: germline.
Comment: This sequence change replaces cysteine, which is neutral and slightly polar, with tyrosine, which is neutral and polar, at codon 241 of the MEN1 protein (p.Cys241Tyr). This variant is not present in population databases (gnomAD no frequency). This missense change has been observed in individuals with familial multiple endocrine neoplasia type 1 (PMID: 10576763, 17853334; internal data). ClinVar contains an entry for this variant (Variation ID: 200980). Invitae Evidence Modeling of protein sequence and biophysical properties (such as structural, functional, and spatial information, amino acid conservation, physicochemical variation, residue mobility, and thermodynamic stability) indicates that this missense variant is expected to disrupt MEN1 protein function with a positive predictive value of 80%. This variant disrupts the p.Cys241 amino acid residue in MEN1. Other variant(s) that disrupt this residue have been determined to be pathogenic (PMID: 10090472, 12652570, 20231234; internal data). This suggests that this residue is clinically significant, and that variants that disrupt this residue are likely to be disease-causing. For these reasons, this variant has been classified as Pathogenic.

ARUP Laboratories, Molecular Genetics and Genomics, ARUP Laboratories
Classification: Likely pathogenic. Last evaluated: 2020-02-12. Review status: criteria provided, single submitter. Criteria: ARUP Molecular Germline Variant Investigation Process. Collection method: clinical testing. Allele origin: germline.
Comment: The MEN1 c.722G>A; p.Cys241Tyr variant (rs794728624) is reported in the literature in an individual with a clinical diagnosis of MEN1 (Hai 1999), and is reported in the ClinVar database (Variation ID: 200980). This variant is absent from general population databases (Exome Variant Server, Genome Aggregation Database), indicating it is not a common polymorphism. The cysteine at codon 241 is highly conserved, and computational analyses (SIFT, PolyPhen-2) predict that this variant is deleterious. Additionally, two other variants at this codon (Cys241Arg, Cys241Phe) are reported in individuals with MEN1 (Crepin 2003, Ellard 2005, Mutch 1999, see ClinVar Variation ID: 659647). Based on available information, the p.Cys241Tyr variant is considered to be likely pathogenic. REFERENCES Crepin M et al. Efficient mutation detection in MEN1 gene using a combination of single-strand conformation polymorphism (MDGA) and heteroduplex analysis. Electrophoresis. 2003 Jan;24(1-2):26-33. Ellard S et al. Detection of an MEN1 gene mutation depends on clinical features and supports current referral criteria for diagnostic molecular genetic testing. Clin Endocrinol (Oxf). 2005 Feb;62(2):169-75. Hai N et al. Germline MEN1 mutations in sixteen Japanese families with multiple endocrine neoplasia type 1 (MEN1). Eur J Endocrinol. 1999 Nov;141(5):475-80. Mutch MG et al. Germline mutations in the multiple endocrine neoplasia type 1 gene: evidence for frequent splicing defects. Hum Mutat. 1999;13(3):175-85.

Exeter Genomics Laboratory, Royal Devon University Healthcare NHS Foundation Trust
Classification: Likely pathogenic for Familial hyperparathyroidism or Hypocalciuric hypercalcaemia. Last evaluated: 2025-06-04. Review status: no assertion criteria provided. Collection method: clinical testing. Allele origin: germline. Affected: yes. Not counted in ClinVar's aggregate classification.

Literature cited by the submitters: PubMed 10090472 (cited by Ambry Genetics and Labcorp Genetics (formerly Invitae), Labcorp); PubMed 10576763 (cited by Ambry Genetics and Labcorp Genetics (formerly Invitae), Labcorp); PubMed 12652570 (cited by Ambry Genetics and Labcorp Genetics (formerly Invitae), Labcorp); PubMed 17853334 (cited by Labcorp Genetics (formerly Invitae), Labcorp); PubMed 20231234 (cited by Labcorp Genetics (formerly Invitae), Labcorp).

NM_001370259.2(MEN1):c.722G>A (p.Cys241Tyr)

Gene: MEN1 (menin 1; minus strand). Cytogenetic location: 11q13.1.
Variant type: single nucleotide variant.
Coding change: c.722G>A on transcript NM_001370259.2 (MANE Select); coding-DNA position 722, G replaced by A.
Protein change: p.Cys241Tyr; replaces cysteine 241 with tyrosine.
Molecular consequence: missense variant.
Genome position (GRCh38, 1-based): chr11:64,807,613, C>T on the plus strand (G>A on the coding strand, the complement: MEN1 is on the minus strand). VCF-style: chr11-64807613-C-T. GRCh37 (hg19) VCF-style: chr11-64575085-C-T.
Other names: c.722G>A, p.Cys241Tyr (NM_001370260.2, NM_001370261.2, NM_130799.3 and 1 more transcripts); c.617G>A, p.Cys206Tyr (NM_001370262.2, NM_001370263.2); c.737G>A, p.Cys246Tyr (NM_130800.3, NM_000244.4, NM_130801.3 and 3 more transcripts); short protein forms C241Y, C246Y, C206Y.
Identifiers: ClinVar variation 200980 (VCV000200980.22), dbSNP rs794728624, ClinGen allele CA009579.